The following is an entry in ClinVar:

NM_000213.5(ITGB4):c.469+5G>A

Gene: ITGB4 (integrin subunit beta 4; plus strand). Cytogenetic location: 17q25.1.
Variant type: single nucleotide variant.
Coding change: c.469+5G>A on transcript NM_000213.5 (MANE Select); 5 bases into the intron after coding-DNA position 469, G replaced by A.
Molecular consequence: intron variant.
Genome position (GRCh38, 1-based): chr17:75,727,860, G>A. VCF-style: chr17-75727860-G-A. GRCh37 (hg19) VCF-style: chr17-73723941-G-A.
Other names: NC_000017.10:g.73723941G>A; c.469+5G>A (NM_001005619.2, NM_001005731.3, NM_001438834.1 and 1 more transcripts).
Identifiers: ClinVar variation 1049472 (VCV001049472.5), dbSNP rs141369871, ClinGen allele CA8768666.
Genomic context (GRCh38, chr17:75,727,860, plus strand): 5'-CTCCAACTCCATGTCCGATGATCTGGACAACCTCAAGAAGATGGGGCAGAACCTGGGTAC[G>A]GCAGGGCCAGAGTGGAGGACAGCAGGGCAGGAGGGGGACAGGTGGGCGTCTGCTTGGGAG-3'

ClinVar aggregate classification (germline): Conflicting classifications of pathogenicity. Review status: criteria provided, conflicting classifications (1 of 4 stars). 3 submissions from 3 submitters: Uncertain significance (1); Likely benign (1). 1 of the submissions does not count toward it. Last evaluated 2024-12-10.

Conditions:
Epidermolysis bullosa, junctional 5A, intermediate. Also called: EPIDERMOLYSIS BULLOSA, JUNCTIONAL 5A, GENERALIZED INTERMEDIATE; EPIDERMOLYSIS BULLOSA, JUNCTIONAL 5A, NON-HERLITZ TYPE. Identifiers: MedGen C5676956, MONDO:0030768, OMIM 619816.
Junctional epidermolysis bullosa with pyloric atresia. Also called: Epidermolysis bullosa, junctional, with pyloric atresia and aplasia cutis congenita; Epidermolysis bullosa junctionalis with pyloric atresia; EPIDERMOLYSIS BULLOSA, JUNCTIONAL 5B, WITH PYLORIC ATRESIA; EB-PA-ACC; ITGB4-Related Epidermolysis Bullosa with Pyloric Atresia; ITGA6-Related Epidermolysis Bullosa with Pyloric Atresia. Identifiers: Orphanet 79403, MedGen C5676875, MONDO:0009183, OMIM 226730.

Allele frequency attached by ClinVar (database versions not stated): gnomAD exomes 0.00008; ExAC 0.00009; 1000 Genomes Project 30x 0.00016; 1000 Genomes Project 0.00020; ESP Exome Variant Server 0.00023; gnomAD 0.00030 and 0.00034; TOPMed 0.00039.
gnomAD v4.1: 122 of 1,613,388 alleles (0.0076%); highest among the groups gnomAD compares: African/African-American, 0.088%; 1 homozygote.

Submissions (4):

GeneDx
Classification: Uncertain significance. Last evaluated: 2024-12-10. Review status: criteria provided, single submitter. Criteria: GeneDx Variant Classification Process June 2021. Collection method: clinical testing. Allele origin: germline. Affected: yes.
Comment: Has not been previously published as pathogenic or benign to our knowledge; In silico analysis suggests this variant may impact gene splicing. In the absence of RNA/functional studies, the actual effect of this sequence change is unknown.

Fulgent Genetics
Classification: Likely benign for Junctional epidermolysis bullosa with pyloric atresia; Epidermolysis bullosa, junctional 5A, intermediate. Last evaluated: 2024-03-29. Review status: criteria provided, single submitter. Criteria: ACMG Guidelines, 2015. Collection method: clinical testing. Allele origin: germline.

Department of Pathology and Laboratory Medicine, Sinai Health System
Classification: Uncertain significance. Review status: no assertion criteria provided. Collection method: clinical testing. Allele origin: unknown. Affected: yes. Study: The Canadian Open Genetics Repository (COGR). Not counted in ClinVar's aggregate classification.
Comment: The ITGB4 c.469+5G>A variant was not identified in the literature nor was it identified in ClinVar or LOVD 3.0. The variant was identified in dbSNP (ID: rs141369871) and in control databases in 24 of 281996 chromosomes at a frequency of 0.00008511 (Genome Aggregation Database March 6, 2019, v2.1.1). The variant was observed in the following populations: African in 15 of 24920 chromosomes (freq: 0.000602), Other in 2 of 7200 chromosomes (freq: 0.000278), Latino in 4 of 35412 chromosomes (freq: 0.000113) and European (non-Finnish) in 3 of 128598 chromosomes (freq: 0.000023), but was not observed in the Ashkenazi Jewish, East Asian, European (Finnish), or South Asian populations. The c.469+5G>A variant is located in the 5' splice region but does not affect the invariant +1 and +2 positions. However, positions +3 to +6 are part of the splicing consensus sequence and variants involving these positions sometimes affect splicing. In addition, 3 of 4 in silico or computational prediction software programs (SpliceSiteFinder, MaxEntScan, NNSPLICE, GeneSplicer) predict a greater than 10% difference in splicing and the loss of the canonical 5' splice site. However, this has not been confirmed by RNA analysis. In summary, based on the above information the clinical significance of this variant cannot be determined with certainty at this time. This variant is classified as a variant of uncertain significance.

Dr. Peter K. Rogan Lab, Western University
No classification provided (evidence only). Condition: Ovarian serous cystadenocarcinoma. Review status: no classification provided. Collection method: in vitro. Allele origin: not applicable. Functional consequence: retained intron. Not counted in ClinVar's aggregate classification.